The following is an entry in ClinVar:

NM_014363.6(SACS):c.7128T>C (p.Asn2376=)

Gene: SACS (sacsin molecular chaperone; minus strand). Cytogenetic location: 13q12.12.
Variant type: single nucleotide variant.
Coding change: c.7128T>C on transcript NM_014363.6 (MANE Select); coding-DNA position 7128, T replaced by C.
Protein change: p.Asn2376=; no amino-acid change (asparagine 2376 retained).
Molecular consequence: synonymous variant.
Genome position (GRCh38, 1-based): chr13:23,336,748, A>G on the plus strand (T>C on the coding strand, the complement: SACS is on the minus strand). VCF-style: chr13-23336748-A-G. GRCh37 (hg19) VCF-style: chr13-23910887-A-G.
Other names: c.6687T>C, p.Asn2229= (NM_001278055.2).
Identifiers: ClinVar variation 2739928 (VCV002739928.16), dbSNP rs1361636811, ClinGen allele CA483161599.

ClinVar aggregate classification (germline): Likely benign. Review status: criteria provided, multiple submitters, no conflicts (2 of 4 stars). 2 submissions from 2 submitters: Likely benign (2). Last evaluated 2025-01-01.

Conditions:
Spastic paraplegia. Identifiers: MedGen C0037772, HP:0001258.

Allele frequency attached by ClinVar (database versions not stated): gnomAD exomes below 0.00001; TOPMed 0.00001.
gnomAD v4.1: 4 of 1,613,900 alleles (0.00025%); highest among the groups gnomAD compares: Non-Finnish European, 0.00034%; no homozygotes.

Submissions (2):

CeGaT Center for Human Genetics Tuebingen
Classification: Likely benign. Last evaluated: 2025-01-01. Review status: criteria provided, single submitter. Criteria: CeGaT Center For Human Genetics Tuebingen Variant Classification Criteria Version 2. Collection method: clinical testing. Allele origin: germline. Affected: yes. Observed: 1 variant allele.
Comment: SACS: BP4, BP7

Labcorp Genetics (formerly Invitae), Labcorp
Classification: Likely benign for Spastic paraplegia. Last evaluated: 2023-08-25. Review status: criteria provided, single submitter. Criteria: Invitae Variant Classification Sherloc (09022015). Collection method: clinical testing. Allele origin: germline.